The following is an entry in ClinVar:

NM_001267550.2(TTN):c.103412G>A (p.Arg34471Gln)

Genes: TTN (titin; minus strand), TTN-AS1 (TTN antisense RNA 1; plus strand). Cytogenetic location: 2q31.2.
Variant type: single nucleotide variant.
Coding change: c.103412G>A on transcript NM_001267550.2 (MANE Select); coding-DNA position 103412, G replaced by A.
Protein change: p.Arg34471Gln; replaces arginine 34471 with glutamine.
Molecular consequence: missense variant.
Genome position (GRCh38, 1-based): chr2:178,533,203, C>T on the plus strand (G>A on the coding strand, the complement: TTN is on the minus strand). VCF-style: chr2-178533203-C-T. GRCh37 (hg19) VCF-style: chr2-179397930-C-T.
Other names: c.98489G>A, p.Arg32830Gln (NM_001256850.1); c.76217G>A, p.Arg25406Gln (NM_003319.4); c.95708G>A, p.Arg31903Gln (NM_133378.4); c.76592G>A, p.Arg25531Gln (NM_133432.3); c.76793G>A, p.Arg25598Gln (NM_133437.4); short protein forms R31903Q, R34471Q, R32830Q, R25598Q, R25406Q, R25531Q.
Identifiers: ClinVar variation 191819 (VCV000191819.31), dbSNP rs149391616, ClinGen allele CA237623.

ClinVar aggregate classification (germline): Conflicting classifications of pathogenicity. Review status: criteria provided, conflicting classifications (1 of 4 stars). 16 submissions from 12 submitters: Uncertain significance (5); Benign (3); Likely benign (5). 3 of the submissions do not count toward it. Last evaluated 2026-01-15.

Conditions:
TTN-related disorder. Also called: TTN-related condition; TTN-related disease; TTN-related disorders.
Dilated cardiomyopathy 1G (CMD1G). Identifiers: Orphanet 154, MedGen C1858763, MONDO:0011400, OMIM 604145.
Autosomal recessive limb-girdle muscular dystrophy type 2J (LGMDR10). Also called: MUSCULAR DYSTROPHY, LIMB-GIRDLE, AUTOSOMAL RECESSIVE 10; Limb-girdle muscular dystrophy, type 2J. Identifiers: Orphanet 140922, MedGen C1837342, MONDO:0012127, OMIM 608807.
Myopathy, myofibrillar, 9, with early respiratory failure (MFM9). Also called: EDSTROM MYOPATHY; MYOPATHY, PROXIMAL, WITH EARLY RESPIRATORY MUSCLE INVOLVEMENT; Myopathy, distal, with early respiratory failure, autosomal dominant; Hereditary myopathy with early respiratory failure. Identifiers: Orphanet 178464, Orphanet 34521, MedGen C1863599, MONDO:0011362, OMIM 603689.
Early-onset myopathy with fatal cardiomyopathy (CMYO5). Also called: CONGENITAL MYOPATHY 5 WITH CARDIOMYOPATHY; Salih Myopathy. Identifiers: Orphanet 289377, MedGen C2673677, MONDO:0012714, OMIM 611705. Disease mechanism: loss of function.
Tibial muscular dystrophy (TMD). Also called: UDD MYOPATHY; Tibial muscular dystrophy, tardive; Udd Distal Myopathy – Tibial Muscular Dystrophy. Identifiers: Orphanet 609, MedGen C1838244, MONDO:0010870, OMIM 600334.

Allele frequency attached by ClinVar (database versions not stated): gnomAD 0.00006 and 0.00012; gnomAD exomes 0.00016 and 0.00032; TOPMed 0.00020; ExAC 0.00036; 1000 Genomes Project 0.00140; 1000 Genomes Project 30x 0.00141.
gnomAD v4.1: 270 of 1,613,882 alleles (0.017%); highest among the groups gnomAD compares: East Asian, 0.41%; 1 homozygote.

Submissions (16):

Labcorp Genetics (formerly Invitae), Labcorp
Classification: Likely benign for Dilated cardiomyopathy 1G; Autosomal recessive limb-girdle muscular dystrophy type 2J. Last evaluated: 2026-01-15. Review status: criteria provided, single submitter. Criteria: Invitae Variant Classification Sherloc (09022015). Collection method: clinical testing. Allele origin: germline.

Molecular Diagnostic Laboratory for Inherited Cardiovascular Disease, Montreal Heart Institute
Classification: Likely benign. Last evaluated: 2025-07-24. Review status: criteria provided, single submitter. Criteria: ACMG Guidelines, 2015. Collection method: clinical testing. Allele origin: germline. Affected: no.

Athena Diagnostics
Classification: Benign. Last evaluated: 2024-06-24. Review status: criteria provided, single submitter. Criteria: Athena Diagnostics Criteria. Collection method: clinical testing. Allele origin: unknown.

Women's Health and Genetics/Laboratory Corporation of America, LabCorp
Classification: Likely benign. Last evaluated: 2023-06-12. Review status: criteria provided, single submitter. Criteria: LabCorp Variant Classification Summary - May 2015. Collection method: clinical testing. Allele origin: germline.
Comment: Variant summary: TTN c.95708G>A (p.Arg31903Gln) results in a conservative amino acid change located in the M-band region of the encoded protein sequence. Four of five in-silico tools predict a benign effect of the variant on protein function. The variant allele was found at a frequency of 0.00032 in 248208 control chromosomes (gnomAD), predominantly at a frequency of 0.0035 within the East Asian subpopulation in the gnomAD database, including 1 homozygote. The observed variant frequency within East Asian control individuals in the gnomAD database is approximately 9 fold of the estimated maximal expected allele frequency for a pathogenic variant in TTN causing Dilated Cardiomyopathy (0.00039), strongly suggesting that the variant is a benign polymorphism found primarily in populations of East Asian origin. To our knowledge, no experimental evidence demonstrating its impact on protein function have been reported. Seven ClinVar submitters have assessed the variant since 2014: two classified the variant as uncertain significance, three as likely benign, and two as benign. Based on the evidence outlined above, the variant was classified as likely benign.

GeneDx
Classification: Likely benign. Last evaluated: 2018-10-03. Review status: criteria provided, single submitter. Criteria: GeneDx Variant Classification Process June 2021. Collection method: clinical testing. Allele origin: germline. Affected: yes.

Illumina Laboratory Services, Illumina
Classification: Benign for Tibial muscular dystrophy. Last evaluated: 2018-01-13. Review status: criteria provided, single submitter. Criteria: ICSL Variant Classification Criteria 13 December 2019. Collection method: clinical testing. Allele origin: germline.
Comment: This variant was observed in the ICSL laboratory as part of a predisposition screen in an ostensibly healthy population. It had not been previously curated by ICSL or reported in the Human Gene Mutation Database (HGMD: prior to June 1st, 2018), and was therefore a candidate for classification through an automated scoring system. Utilizing variant allele frequency, disease prevalence and penetrance estimates, and inheritance mode, an automated score was calculated to assess if this variant is too frequent to cause the disease. Based on the score and internal cut-off values, a variant classified as benign is not then subjected to further curation. The score for this variant resulted in a classification of benign for this disease.

Illumina Laboratory Services, Illumina
Classification: Uncertain significance for Autosomal recessive limb-girdle muscular dystrophy type 2J. Last evaluated: 2018-01-13. Review status: criteria provided, single submitter. Criteria: ICSL Variant Classification Criteria 13 December 2019. Collection method: clinical testing. Allele origin: germline.

Illumina Laboratory Services, Illumina
Classification: Uncertain significance for Early-onset myopathy with fatal cardiomyopathy. Last evaluated: 2018-01-13. Review status: criteria provided, single submitter. Criteria: ICSL Variant Classification Criteria 13 December 2019. Collection method: clinical testing. Allele origin: germline.

Illumina Laboratory Services, Illumina
Classification: Uncertain significance for Dilated cardiomyopathy 1G. Last evaluated: 2018-01-13. Review status: criteria provided, single submitter. Criteria: ICSL Variant Classification Criteria 13 December 2019. Collection method: clinical testing. Allele origin: germline.

Illumina Laboratory Services, Illumina
Classification: Benign for Myopathy, myofibrillar, 9, with early respiratory failure. Last evaluated: 2018-01-13. Review status: criteria provided, single submitter. Criteria: ICSL Variant Classification Criteria 13 December 2019. Collection method: clinical testing. Allele origin: germline.
Comment: the same text as in the submission from Illumina Laboratory Services, Illumina above.

Eurofins Ntd Llc (ga)
Classification: Likely benign. Last evaluated: 2017-10-11. Review status: criteria provided, single submitter. Criteria: EGL Classification Definitions 2015. Collection method: clinical testing. Allele origin: germline. Observed: 1 variant allele, 1 heterozygote.

CeGaT Center for Human Genetics Tuebingen
Classification: Uncertain significance. Last evaluated: 2016-09-30. Review status: criteria provided, single submitter. Criteria: Praxis fuer Humangenetik Tuebingen - Variant Classification Criteria. Collection method: clinical testing. Allele origin: germline. Affected: yes. Observed: 1 variant allele.

Biesecker Lab/Clinical Genomics Section, National Institutes of Health
Classification: Uncertain significance. Last evaluated: 2013-06-24. Review status: criteria provided, single submitter. Criteria: Ng et al. (Circ Cardiovasc Genet. 2013). Collection method: research. Allele origin: unknown. Observed: 1 variant allele. Study: ClinSeq.
Comment: The study set was not selected for affection status in relation to any cancer. Pathogenicity categories were based on literature curation. See Pubmed ID:23861362 for details.

Medical sequencing

PreventionGenetics, part of Exact Sciences
Classification: Likely benign for TTN-related condition. Last evaluated: 2022-08-04. Review status: no assertion criteria provided. Collection method: clinical testing. Allele origin: germline. Not counted in ClinVar's aggregate classification.
Comment: This variant is classified as likely benign based on ACMG/AMP sequence variant interpretation guidelines (Richards et al. 2015 PMID: 25741868, with internal and published modifications).

Clinical Genetics DNA and cytogenetics Diagnostics Lab, Erasmus MC, Erasmus Medical Center
Classification: Likely benign. Review status: no assertion criteria provided. Collection method: clinical testing. Allele origin: germline. Affected: yes. Study: VKGL Data-share Consensus. Not counted in ClinVar's aggregate classification.

Laboratory of Diagnostic Genome Analysis, Leiden University Medical Center (LUMC)
Classification: Likely benign. Review status: no assertion criteria provided. Collection method: clinical testing. Allele origin: germline. Affected: yes. Study: VKGL Data-share Consensus. Not counted in ClinVar's aggregate classification.